The following is an entry in ClinVar:

ClinVar aggregate classification (germline): Conflicting classifications of pathogenicity. Review status: criteria provided, conflicting classifications (1 of 4 stars). 2 submissions from 2 submitters: Uncertain significance (1); Likely benign (1). Last evaluated 2025-12-20.

Conditions:
Cardiovascular phenotype. Identifiers: MedGen CN230736.
Long QT syndrome (LQTS). Identifiers: MedGen C0023976, MeSH D008133, MONDO:0002442. Disease mechanism: loss of function. Inheritance: Various modes of inheritance.

Allele frequency attached by ClinVar (database versions not stated): gnomAD 0.00001; gnomAD exomes 0.00002; TOPMed 0.00002; ExAC 0.00006; 1000 Genomes Project 30x 0.00031; 1000 Genomes Project 0.00040.
gnomAD v4.1: 26 of 1,612,226 alleles (0.0016%); highest among the groups gnomAD compares: East Asian, 0.056%; no homozygotes.

Submissions (2):

Labcorp Genetics (formerly Invitae), Labcorp
Classification: Uncertain significance for Long QT syndrome. Last evaluated: 2025-12-20. Review status: criteria provided, single submitter. Criteria: Invitae Variant Classification Sherloc (09022015). Collection method: clinical testing. Allele origin: germline.
Comment: This sequence change replaces aspartic acid, which is acidic and polar, with glycine, which is neutral and non-polar, at codon 242 of the SNTA1 protein (p.Asp242Gly). This variant is present in population databases (rs200777037, gnomAD 0.08%), and has an allele count higher than expected for a pathogenic variant. This variant has not been reported in the literature in individuals affected with SNTA1-related conditions. ClinVar contains an entry for this variant (Variation ID: 1757944). Invitae Evidence Modeling of protein sequence and biophysical properties (such as structural, functional, and spatial information, amino acid conservation, physicochemical variation, residue mobility, and thermodynamic stability) indicates that this missense variant is expected to disrupt SNTA1 protein function with a positive predictive value of 80%. In summary, the available evidence is currently insufficient to determine the role of this variant in disease. Therefore, it has been classified as a Variant of Uncertain Significance.

Ambry Genetics
Classification: Likely benign for Cardiovascular phenotype. Last evaluated: 2019-10-17. Review status: criteria provided, single submitter. Criteria: Ambry Variant Classification Scheme 2023. Collection method: clinical testing. Allele origin: germline.

NM_003098.3(SNTA1):c.725A>G (p.Asp242Gly)

Gene: SNTA1 (syntrophin alpha 1; minus strand). Cytogenetic location: 20q11.21.
Variant type: single nucleotide variant.
Coding change: c.725A>G on transcript NM_003098.3 (MANE Select); coding-DNA position 725, A replaced by G.
Protein change: p.Asp242Gly; replaces aspartic acid 242 with glycine.
Molecular consequence: missense variant.
Genome position (GRCh38, 1-based): chr20:33,412,759, T>C on the plus strand (A>G on the coding strand, the complement: SNTA1 is on the minus strand). VCF-style: chr20-33412759-T-C. GRCh37 (hg19) VCF-style: chr20-32000565-T-C.
Other names: short protein forms D242G.
Identifiers: ClinVar variation 1757944 (VCV001757944.7), dbSNP rs200777037, ClinGen allele CA9817154.
Genomic context (GRCh38, chr20:33,412,759, plus strand): 5'-GTCGCCCACGACCTCGCACTAGCCTCATCCTTGGCCCTCAGGAAGAGGGTGTCTTGACCA[T>C]CTGCCGAGCAGATCTCCAGATACCTGCAGGCACAAATGGGTGGAGACAAGGACCTGACCA-3'
Protein context (NP_003089.1, residues 232-252): EPRYLEICSA[Asp242Gly]GQDTLFLRAK